The following is an entry in ClinVar:

ClinVar aggregate classification (germline): Uncertain significance (1 of 4 stars; one submission).

gnomAD v4.1: 3 of 1,560,338 alleles (0.00019%); highest among the groups gnomAD compares: African/African-American, 0.0014%; no homozygotes.

Submission:

Labcorp Genetics (formerly Invitae), Labcorp
Classification: Uncertain significance. Last evaluated: 2025-06-12. Review status: criteria provided, single submitter. Criteria: Invitae Variant Classification Sherloc (09022015). Collection method: clinical testing. Allele origin: germline.
Comment: This sequence change replaces arginine, which is basic and polar, with cysteine, which is neutral and slightly polar, at codon 328 of the WNT3A protein (p.Arg328Cys). The frequency data for this variant in the population databases is considered unreliable, as metrics indicate poor data quality at this position in the gnomAD database. This variant has not been reported in the literature in individuals affected with WNT3A-related conditions. ClinVar contains an entry for this variant (Variation ID: 3613973). Invitae Evidence Modeling of protein sequence and biophysical properties (such as structural, functional, and spatial information, amino acid conservation, physicochemical variation, residue mobility, and thermodynamic stability) indicates that this missense variant is not expected to disrupt WNT3A protein function with a negative predictive value of 80%. In summary, the available evidence is currently insufficient to determine the role of this variant in disease. Therefore, it has been classified as a Variant of Uncertain Significance.

NM_033131.4(WNT3A):c.982C>T (p.Arg328Cys)

Gene: WNT3A (Wnt family member 3A; plus strand). Cytogenetic location: 1q42.13.
Variant type: single nucleotide variant.
Coding change: c.982C>T on transcript NM_033131.4 (MANE Select); coding-DNA position 982, C replaced by T.
Protein change: p.Arg328Cys; replaces arginine 328 with cysteine.
Molecular consequence: missense variant.
Genome position (GRCh38, 1-based): chr1:228,059,388, C>T. VCF-style: chr1-228059388-C-T. GRCh37 (hg19) VCF-style: chr1-228247089-C-T.
Other names: short protein forms R328C.
Identifiers: ClinVar variation 3613973 (VCV003613973.2).
Genomic context (GRCh38, chr1:228,059,388, plus strand): 5'-GACCTGCTGTGCTGCGGCCGCGGCCACAACGCGCGAGCGGAGCGGCGCCGGGAGAAGTGC[C>T]GCTGCGTGTTCCACTGGTGCTGCTACGTCAGCTGCCAGGAGTGCACGCGCGTCTACGACG-3'
Protein context (NP_149122.1, residues 318-338): ARAERRREKC[Arg328Cys]CVFHWCCYVS